The following is an entry in ClinVar:

ClinVar aggregate classification (germline): Benign/Likely benign. Review status: criteria provided, multiple submitters, no conflicts (2 of 4 stars). 6 submissions from 6 submitters: Benign (2); Likely benign (3). 1 of the submissions does not count toward it. Last evaluated 2026-01-01.

Conditions:
Hyperaldosteronism, familial, type IV (HALD4). Also called: FH IV; ALDOSTERONISM, PRIMARY, AND HYPERTENSION. Identifiers: Orphanet 642671, MedGen C4310756, MONDO:0014875, OMIM 617027.
Idiopathic generalized epilepsy. Also called: Generalised epilepsy; EIG. Identifiers: MedGen C0270850, MONDO:0005579, OMIM 600669.
CACNA1H-related disorder.
Epilepsy, childhood absence, susceptibility to, 6. Identifiers: Orphanet 64280, MedGen C2749872, MONDO:0012763, OMIM 611942.

Allele frequency attached by ClinVar (database versions not stated): gnomAD 0.00013; ESP Exome Variant Server 0.00016; gnomAD exomes 0.00024 and 0.00067; TOPMed 0.00045; ExAC 0.00138.
gnomAD v4.1: 415 of 1,564,796 alleles (0.027%); highest among the groups gnomAD compares: Middle Eastern, 0.62%; 5 homozygotes.

Submissions (6):

CeGaT Center for Human Genetics Tuebingen
Classification: Likely benign. Last evaluated: 2026-01-01. Review status: criteria provided, single submitter. Criteria: CeGaT Center For Human Genetics Tuebingen Variant Classification Criteria Version 2. Collection method: clinical testing. Allele origin: germline. Affected: yes. Observed: 2 variant alleles.
Comment: CACNA1H: BP4, BP7

Labcorp Genetics (formerly Invitae), Labcorp
Classification: Benign for Idiopathic generalized epilepsy; Hyperaldosteronism, familial, type IV. Last evaluated: 2025-11-10. Review status: criteria provided, single submitter. Criteria: Invitae Variant Classification Sherloc (09022015). Collection method: clinical testing. Allele origin: germline.

Blueprint Genetics
Classification: Likely benign. Last evaluated: 2024-03-08. Review status: criteria provided, single submitter. Criteria: ACMG Guidelines, 2015. Collection method: clinical testing. Allele origin: germline.

Fulgent Genetics
Classification: Likely benign for Epilepsy, childhood absence, susceptibility to, 6; Hyperaldosteronism, familial, type IV. Last evaluated: 2022-02-16. Review status: criteria provided, single submitter. Criteria: ACMG Guidelines, 2015. Collection method: clinical testing. Allele origin: unknown.

Breakthrough Genomics
Classification: Benign. Review status: criteria provided, single submitter. Criteria: ACMG Guidelines, 2015. Collection method: not provided. Allele origin: germline. Inheritance: Autosomal dominant inheritance. Affected: yes.

PreventionGenetics, part of Exact Sciences
Classification: Likely benign for CACNA1H-related condition. Last evaluated: 2019-04-03. Review status: no assertion criteria provided. Collection method: clinical testing. Allele origin: germline. Not counted in ClinVar's aggregate classification.
Comment: This variant is classified as likely benign based on ACMG/AMP sequence variant interpretation guidelines (Richards et al. 2015 PMID: 25741868, with internal and published modifications).

NM_021098.3(CACNA1H):c.5832C>T (p.His1944=)

Gene: CACNA1H (calcium voltage-gated channel subunit alpha1 H; plus strand). Cytogenetic location: 16p13.3.
Variant type: single nucleotide variant.
Coding change: c.5832C>T on transcript NM_021098.3 (MANE Select); coding-DNA position 5832, C replaced by T.
Protein change: p.His1944=; no amino-acid change (histidine 1944 retained).
Molecular consequence: synonymous variant.
Genome position (GRCh38, 1-based): chr16:1,218,596, C>T. VCF-style: chr16-1218596-C-T. GRCh37 (hg19) VCF-style: chr16-1268596-C-T.
Other names: c.5814C>T, p.His1938= (NM_001005407.2).
Identifiers: ClinVar variation 529685 (VCV000529685.39), dbSNP rs372529098, ClinGen allele CA7802139.
Genomic context (GRCh38, chr16:1,218,596, plus strand): 5'-GCTCTCGCTGCCCAACGACAGCTACATGTTCAGGCCCGTGGTGCCTGCCTCGGCGCCCCA[C>T]CCCCGCCCGCTGCAGGAGGTGGAGATGGAGACCTATGGGGCCGGCACCCCCTTGGGTATG-3'
Protein context (NP_066921.2, residues 1934-1954): FRPVVPASAP[His1944=]PRPLQEVEME